The following is an entry in ClinVar:

ClinVar aggregate classification (germline): Uncertain significance (1 of 4 stars; one submission).

Conditions:
Hereditary spastic paraplegia 30. Identifiers: Orphanet 101010, MedGen C5235139, MONDO:0012476.
Neuropathy, hereditary sensory, type 2C. Also called: Hereditary sensory and autonomic neuropathy type IIC; KIF1A-Related HSAN2 (HSAN2C). Identifiers: Orphanet 970, MedGen C3280168, MONDO:0013634, OMIM 614213.
Intellectual disability, autosomal dominant 9 (NESCAVS). Also called: NESCAV SYNDROME; KIF1A-Related Neurodevelopmental Disorder. Identifiers: Orphanet 662367, MedGen C5393830, MONDO:0013656, OMIM 614255.

Submission:

Labcorp Genetics (formerly Invitae), Labcorp
Classification: Uncertain significance for Hereditary spastic paraplegia 30; Neuropathy, hereditary sensory, type 2C; Intellectual disability, autosomal dominant 9. Last evaluated: 2022-06-05. Review status: criteria provided, single submitter. Criteria: Invitae Variant Classification Sherloc (09022015). Collection method: clinical testing. Allele origin: germline.
Comment: This variant has not been reported in the literature in individuals affected with KIF1A-related conditions. This variant is not present in population databases (gnomAD no frequency). This sequence change replaces alanine, which is neutral and non-polar, with aspartic acid, which is acidic and polar, at codon 95 of the KIF1A protein (p.Ala95Asp). ClinVar contains an entry for this variant (Variation ID: 1396071). In summary, the available evidence is currently insufficient to determine the role of this variant in disease. Therefore, it has been classified as a Variant of Uncertain Significance. Advanced modeling of protein sequence and biophysical properties (such as structural, functional, and spatial information, amino acid conservation, physicochemical variation, residue mobility, and thermodynamic stability) performed at Invitae indicates that this missense variant is expected to disrupt KIF1A protein function.

NM_001244008.2(KIF1A):c.284C>A (p.Ala95Asp)

Gene: KIF1A (kinesin family member 1A; minus strand). Cytogenetic location: 2q37.3.
Variant type: single nucleotide variant.
Coding change: c.284C>A on transcript NM_001244008.2 (MANE Select); coding-DNA position 284, C replaced by A.
Protein change: p.Ala95Asp; replaces alanine 95 with aspartic acid.
Molecular consequence: missense variant.
Genome position (GRCh38, 1-based): chr2:240,788,130, G>T on the plus strand (C>A on the coding strand, the complement: KIF1A is on the minus strand). VCF-style: chr2-240788130-G-T. GRCh37 (hg19) VCF-style: chr2-241727547-G-T.
Other names: c.284C>A, p.Ala95Asp (NM_001320705.2, NM_001330289.2, NM_001330290.2 and 20 more transcripts); short protein forms A95D.
Identifiers: ClinVar variation 1396071 (VCV001396071.6), dbSNP rs2126091878, ClinGen allele CA351310361.